The following is an entry in ClinVar:

ClinVar aggregate classification (germline): Uncertain significance (1 of 4 stars; one submission).

Conditions:
RYR1-related disorder. Also called: RYR1-related condition; RYR1-related disorders. Identifiers: MedGen CN239331.

Submission:

Labcorp Genetics (formerly Invitae), Labcorp
Classification: Uncertain significance for RYR1-related disorder. Last evaluated: 2024-03-04. Review status: criteria provided, single submitter. Criteria: Invitae Variant Classification Sherloc (09022015). Collection method: clinical testing. Allele origin: germline.
Comment: This sequence change replaces glutamine, which is neutral and polar, with arginine, which is basic and polar, at codon 4132 of the RYR1 protein (p.Gln4132Arg). This variant is not present in population databases (gnomAD no frequency). This variant has not been reported in the literature in individuals affected with RYR1-related conditions. Advanced modeling of protein sequence and biophysical properties (such as structural, functional, and spatial information, amino acid conservation, physicochemical variation, residue mobility, and thermodynamic stability) performed at Invitae indicates that this missense variant is not expected to disrupt RYR1 protein function with a negative predictive value of 95%. In summary, the available evidence is currently insufficient to determine the role of this variant in disease. Therefore, it has been classified as a Variant of Uncertain Significance.

NM_000540.3(RYR1):c.12395A>G (p.Gln4132Arg)

Gene: RYR1 (ryanodine receptor 1; plus strand). Cytogenetic location: 19q13.2.
Variant type: single nucleotide variant.
Coding change: c.12395A>G on transcript NM_000540.3 (MANE Select); coding-DNA position 12395, A replaced by G.
Protein change: p.Gln4132Arg; replaces glutamine 4132 with arginine.
Molecular consequence: missense variant.
Genome position (GRCh38, 1-based): chr19:38,561,225, A>G. VCF-style: chr19-38561225-A-G. GRCh37 (hg19) VCF-style: chr19-39051865-A-G.
Other names: c.12380A>G, p.Gln4127Arg (NM_001042723.2); short protein forms Q4132R, Q4127R.
Identifiers: ClinVar variation 2733383 (VCV002733383.3), dbSNP rs2514652687, ClinGen allele CA405668609.
Genomic context (GRCh38, chr19:38,561,225, plus strand): 5'-CGTGCTCCGAAGCGGATGAGAACGAAATGATCAACTGCGAAGAGTTCGCCAACCGCTTCC[A>G]GGAGCCAGCACGCGACATCGGCTTCAACGTGGCGGTGCTGCTGACCAACCTGTCGGAGCA-3'
Protein context (NP_000531.2, residues 4122-4142): INCEEFANRF[Gln4132Arg]EPARDIGFNV